The following is an entry in ClinVar:

ClinVar aggregate classification (germline): Uncertain significance. Review status: criteria provided, multiple submitters, no conflicts (2 of 4 stars). 2 submissions from 2 submitters: Uncertain significance (2). Last evaluated 2024-01-22.

Allele frequency attached by ClinVar (database versions not stated): TOPMed below 0.00001; gnomAD 0.00001; ExAC 0.00004; ESP Exome Variant Server 0.00009.
gnomAD v4.1: 10 of 1,201,884 alleles (0.00083%); highest among the groups gnomAD compares: Middle Eastern, 0.024%; no homozygotes.

Submissions (2):

Blueprint Genetics
Classification: Uncertain significance. Last evaluated: 2024-01-22. Review status: criteria provided, single submitter. Criteria: ACMG Guidelines, 2015. Collection method: clinical testing. Allele origin: germline.

Labcorp Genetics (formerly Invitae), Labcorp
Classification: Uncertain significance. Last evaluated: 2020-02-23. Review status: criteria provided, single submitter. Criteria: Invitae Variant Classification Sherloc (09022015). Collection method: clinical testing. Allele origin: germline.
Comment: This sequence change replaces aspartic acid with asparagine at codon 1896 of the CACNA1F protein (p.Asp1896Asn). The aspartic acid residue is moderately conserved and there is a small physicochemical difference between aspartic acid and asparagine. In summary, the available evidence is currently insufficient to determine the role of this variant in disease. Therefore, it has been classified as a Variant of Uncertain Significance. Algorithms developed to predict the effect of missense changes on protein structure and function are either unavailable or do not agree on the potential impact of this missense change (SIFT: "Tolerated"; PolyPhen-2: "Possibly Damaging"; Align-GVGD: "Class C0"). This variant has not been reported in the literature in individuals with CACNA1F-related conditions. This variant is present in population databases (rs370332593, ExAC 0.02%).

NM_001256789.3(CACNA1F):c.5653G>A (p.Asp1885Asn)

Gene: CACNA1F (calcium voltage-gated channel subunit alpha1 F; minus strand). Cytogenetic location: Xp11.23.
Variant type: single nucleotide variant.
Coding change: c.5653G>A on transcript NM_001256789.3 (MANE Select); coding-DNA position 5653, G replaced by A.
Protein change: p.Asp1885Asn; replaces aspartic acid 1885 with asparagine.
Molecular consequence: missense variant.
Genome position (GRCh38, 1-based): chrX:49,205,633, C>T on the plus strand (G>A on the coding strand, the complement: CACNA1F is on the minus strand). VCF-style: chrX-49205633-C-T. GRCh37 (hg19) VCF-style: chrX-49062093-C-T.
Other names: c.5491G>A, p.Asp1831Asn (NM_001256790.3); c.5686G>A, p.Asp1896Asn (NM_005183.4); short protein forms D1831N, D1885N, D1896N.
Identifiers: ClinVar variation 1042336 (VCV001042336.10), dbSNP rs370332593, ClinGen allele CA10409935.